The following is an entry in ClinVar:

ClinVar aggregate classification (germline): Uncertain significance (1 of 4 stars; one submission).

Conditions:
Hereditary cancer-predisposing syndrome. Also called: Tumor predisposition; Hereditary Cancer Syndrome; Hereditary neoplastic syndrome; Neoplastic Syndromes, Hereditary. Identifiers: Orphanet 140162, MedGen C0027672, MeSH D009386, MONDO:0015356.

Submission:

Ambry Genetics
Classification: Uncertain significance for Hereditary cancer-predisposing syndrome. Last evaluated: 2024-05-31. Review status: criteria provided, single submitter. Criteria: Ambry Variant Classification Scheme 2023. Collection method: clinical testing. Allele origin: germline.
Comment: The c.649delGins16 variant (also known as p.E217delinsIVPSPQ, located in coding exon 2 of the MEN1 gene, results from an in-frame deletion of G and insertion of ATTGTTCCCTCCCCCC at nucleotide position 649. This results in the substitution of the glutamic acid residue for valine, proline, serine, proline, and glutamine residues at codon 217. This variant has been observed in at least one individual with a personal history that is consistent with MEN1-associated disease (Ambry internal data). This alteration is predicted to be deleterious by in silico analysis (Choi Y et al. PLoS ONE. 2012; 7(10):e46688). In addition, in silico splice site analysis predicts that this alteration may result in the creation or strengthening of a novel splice donor site. Since supporting evidence is limited at this time, the clinical significance of this alteration remains unclear.

NM_001370259.2(MEN1):c.649delinsATTGTTCCCTCCCCCC (p.Glu217delinsIleValProSerProGln)

Gene: MEN1 (menin 1; minus strand). Cytogenetic location: 11q13.1.
Variant type: Indel.
Coding change: c.649delinsATTGTTCCCTCCCCCC on transcript NM_001370259.2 (MANE Select); coding-DNA position 649, G replaced by ATTGTTCCCTCCCCCC.
Protein change: p.Glu217delinsIleValProSerProGln.
Molecular consequence: inframe indel. On other transcripts: non-coding transcript variant (4), intron variant (5).
Genome position (GRCh38, 1-based): chr11:64,807,896, C replaced by GGGGGGAGGGAACAAT on the plus strand (G replaced by ATTGTTCCCTCCCCCC on the coding strand, the reverse complement: MEN1 is on the minus strand). VCF-style: chr11-64807896-C-GGGGGGAGGGAACAAT. GRCh37 (hg19) VCF-style: chr11-64575368-C-GGGGGGAGGGAACAAT.
Other names: c.649delinsATTGTTCCCTCCCCCC, p.Glu217delinsIleValProSerProGln (NM_001370261.2, NM_001407142.1, NM_001407143.1 and 7 more transcripts); c.664delinsATTGTTCCCTCCCCCC, p.Glu222delinsIleValProSerProGln (NM_001407145.1, NM_001407150.1, NM_130800.3 and 5 more transcripts); c.549+100delinsATTGTTCCCTCCCCCC (NM_001407148.1, NM_001407149.1, NM_001407151.1 and 2 more transcripts).
Identifiers: ClinVar variation 3294220 (VCV003294220.1).